The following is an entry in ClinVar:

NM_000090.4(COL3A1):c.508G>T (p.Ala170Ser)

Gene: COL3A1 (collagen type III alpha 1 chain; plus strand). Cytogenetic location: 2q32.2.
Variant type: single nucleotide variant.
Coding change: c.508G>T on transcript NM_000090.4 (MANE Select); coding-DNA position 508, G replaced by T.
Protein change: p.Ala170Ser; replaces alanine 170 with serine.
Molecular consequence: missense variant.
Genome position (GRCh38, 1-based): chr2:188,987,119, G>T. VCF-style: chr2-188987119-G-T. GRCh37 (hg19) VCF-style: chr2-189851845-G-T.
Other names: short protein forms A170S.
Identifiers: ClinVar variation 3075021 (VCV003075021.1), dbSNP rs374476865, ClinGen allele CA349848157.

ClinVar aggregate classification (germline): Uncertain significance (1 of 4 stars; one submission).

Conditions:
Ehlers-Danlos syndrome, type 4 (EDSVASC). Also called: Ehlers-Danlos Syndrome Type IV; Ehlers-Danlos syndrome vascular type; Ehlers Danlos syndrome, ecchymotic type; Ehlers Danlos syndrome, arterial type; Ehlers Danlos syndrome, Sack-Barabas type. Identifiers: Orphanet 286, MedGen C0268338, MONDO:0017314, OMIM 130050.

gnomAD v4.1: 1 of 1,612,568 alleles (0.000062%); highest among the groups gnomAD compares: Non-Finnish European, 0.000085%; no homozygotes.

Submission:

All of Us Research Program, National Institutes of Health
Classification: Uncertain significance for Ehlers-Danlos syndrome, type 4. Last evaluated: 2023-12-13. Review status: criteria provided, single submitter. Criteria: ACMG Guidelines, 2015. Collection method: clinical testing. Allele origin: germline. Inheritance: Autosomal dominant inheritance. Observed: 1 variant allele, 1 heterozygote.
Comment: This missense variant replaces alanine with serine at codon 170 of the COL3A1 protein. Computational prediction suggests that this variant may not impact protein structure and function (internally defined REVEL score threshold <= 0.5, PMID: 27666373). To our knowledge, functional studies have not been reported for this variant. This variant has not been reported in individuals affected with COL3A1-related disorders in the literature. This variant has not been identified in the general population by the Genome Aggregation Database (gnomAD). The available evidence is insufficient to determine the role of this variant in disease conclusively. Therefore, this variant is classified as a Variant of Uncertain Significance.

This study involves interpretation of variants in research participants for the purpose of population health screening. Participant phenotype was not available at the time of variant classification. Additional details can be found in publication PMID: 35346344, PMCID: PMC8962531